The following is an entry in ClinVar:

ClinVar aggregate classification (germline): Pathogenic/Likely pathogenic. Review status: criteria provided, multiple submitters, no conflicts (2 of 4 stars). 2 submissions from 2 submitters: Pathogenic (1); Likely pathogenic (1). Last evaluated 2025-12-02.

Conditions:
Cystic fibrosis (CF). Also called: MUCOVISCIDOSIS. Identifiers: Orphanet 586, MedGen C0010674, MONDO:0009061, OMIM 219700. Disease mechanism: loss of function.
CFTR-related disorder (CFTR-RD). Also called: CFTR-related disorders; CFTR-related condition. Identifiers: MedGen C5924204, MONDO:7770004.

Submissions (2):

Natera, Inc.
Classification: Likely pathogenic for CFTR-related disorders. Last evaluated: 2025-12-02. Review status: criteria provided, single submitter. Criteria: Natera Variant Classification Schema (03/2026). Collection method: clinical testing. Allele origin: germline.
Comment: The c.4374dupC variant in CFTR is a frameshift variant predicted to shift the reading frame beginning at codon 1459 and leads to a stop codon 3 codons downstream. This variant is expected to result in nonsense mediated decay, truncation, or a dysfunctional protein product. This variant is rare in the general population with a frequency below the threshold expected for the associated phenotype(s). This variant has been observed in one or more individuals affected with the associated recessive disease, as either homozygous or compound heterozygous with a second variant (PMID: 26900683). Given the available evidence, this variant is classified as Likely Pathogenic.

Women's Health and Genetics/Laboratory Corporation of America, LabCorp
Classification: Pathogenic for Cystic fibrosis. Last evaluated: 2024-08-28. Review status: criteria provided, single submitter. Criteria: LabCorp Variant Classification Summary - May 2015. Collection method: clinical testing. Allele origin: germline.
Comment: Variant summary: CFTR c.4374dupC (p.Lys1459GlnfsX3) results in a premature termination codon, predicted to cause a truncation of the encoded protein or absence of the protein. Variants downstream of this position have been classified as pathogenic by our laboratory and in ClinVar. The variant was absent in 251044 control chromosomes. c.4374dupC has been reported in the literature in the compound heterozygous state in at least one individual affected with Cystic Fibrosis (Pagin_2016). To our knowledge, no experimental evidence demonstrating an impact on protein function has been reported. The following publication have been ascertained in the context of this evaluation (PMID: 26900683). No submitters have cited clinical-significance assessments for this variant to ClinVar. Based on the evidence outlined above, the variant was classified as pathogenic.

Literature cited by the submitters: PubMed 26900683 (cited by Natera, Inc. and Women's Health and Genetics/Laboratory Corporation of America, LabCorp).

NM_000492.4(CFTR):c.4374dup (p.Lys1459fs)

Genes: CFTR (CF transmembrane conductance regulator; plus strand), LOC111674477 (CFTR intron 23 enhancer; plus strand). Cytogenetic location: 7q31.2.
Variant type: Duplication.
Coding change: c.4374dup on transcript NM_000492.4 (MANE Select); coding-DNA position 4374, one base duplicated (C; older notation c.4374dupC).
Protein change: p.Lys1459fs; shifts the reading frame from lysine 1459.
Molecular consequence: frameshift variant.
Genome position (GRCh38, 1-based): chr7:117,667,039, C duplicated. VCF-style (leftmost placement, unchanged base first): chr7-117667038-G-GC. GRCh37 (hg19) VCF-style: chr7-117307092-G-GC.
Other names: c.4374dupC (NM_000492.3, NM_000492.4); short protein forms K1459fs.
Identifiers: ClinVar variation 3366417 (VCV003366417.2).